The following is an entry in ClinVar:

NM_032043.3(BRIP1):c.187T>A (p.Trp63Arg)

Gene: BRIP1 (BRCA1 interacting DNA helicase 1; minus strand). Cytogenetic location: 17q23.2.
Variant type: single nucleotide variant.
Coding change: c.187T>A on transcript NM_032043.3 (MANE Select); coding-DNA position 187, T replaced by A.
Protein change: p.Trp63Arg; replaces tryptophan 63 with arginine.
Molecular consequence: missense variant.
Genome position (GRCh38, 1-based): chr17:61,859,814, A>T on the plus strand (T>A on the coding strand, the complement: BRIP1 is on the minus strand). VCF-style: chr17-61859814-A-T. GRCh37 (hg19) VCF-style: chr17-59937175-A-T.
Other names: short protein forms W63R.
Identifiers: ClinVar variation 820234 (VCV000820234.15), dbSNP rs1603367652, ClinGen allele CA400485687.

ClinVar aggregate classification (germline): Uncertain significance. Review status: criteria provided, multiple submitters, no conflicts (2 of 4 stars). 2 submissions from 2 submitters: Uncertain significance (2). Last evaluated 2025-08-15.

Conditions:
Familial cancer of breast. Also called: Hereditary breast cancer; hereditary breast carcinoma; BREAST CANCER, FAMILIAL. Identifiers: Orphanet 227535, MedGen C0346153, MONDO:0016419, OMIM 114480. Disease mechanism: loss of function.
Fanconi anemia complementation group J. Also called: BRIP1-Related Fanconi Anemia. Identifiers: Orphanet 84, MedGen C1836860, MONDO:0012187, OMIM 609054.
Hereditary cancer-predisposing syndrome. Also called: Hereditary Cancer Syndrome; Neoplastic Syndromes, Hereditary; Hereditary neoplastic syndrome; Tumor predisposition. Identifiers: Orphanet 140162, MedGen C0027672, MeSH D009386, MONDO:0015356.

gnomAD v4.1: 1 of 1,613,082 alleles (0.000062%); no homozygotes.

Submissions (2):

Ambry Genetics
Classification: Uncertain significance for Hereditary cancer-predisposing syndrome. Last evaluated: 2025-08-15. Review status: criteria provided, single submitter. Criteria: Ambry Variant Classification Scheme 2023. Collection method: clinical testing. Allele origin: germline.
Comment: The p.W63R variant (also known as c.187T>A), located in coding exon 2 of the BRIP1 gene, results from a T to A substitution at nucleotide position 187. The tryptophan at codon 63 is replaced by arginine, an amino acid with dissimilar properties. This amino acid position is highly conserved in available vertebrate species. In addition, this alteration is predicted to be deleterious by in silico analysis. Since supporting evidence is limited at this time, the clinical significance of this alteration remains unclear.

Labcorp Genetics (formerly Invitae), Labcorp
Classification: Uncertain significance for Familial cancer of breast; Fanconi anemia complementation group J. Last evaluated: 2023-12-22. Review status: criteria provided, single submitter. Criteria: Invitae Variant Classification Sherloc (09022015). Collection method: clinical testing. Allele origin: germline.
Comment: This sequence change replaces tryptophan, which is neutral and slightly polar, with arginine, which is basic and polar, at codon 63 of the BRIP1 protein (p.Trp63Arg). This variant is not present in population databases (gnomAD no frequency). This variant has not been reported in the literature in individuals affected with BRIP1-related conditions. ClinVar contains an entry for this variant (Variation ID: 820234). Advanced modeling of protein sequence and biophysical properties (such as structural, functional, and spatial information, amino acid conservation, physicochemical variation, residue mobility, and thermodynamic stability) performed at Invitae indicates that this missense variant is expected to disrupt BRIP1 protein function with a positive predictive value of 80%. In summary, the available evidence is currently insufficient to determine the role of this variant in disease. Therefore, it has been classified as a Variant of Uncertain Significance.